The following is an entry in ClinVar:

NM_007186.6(CEP250):c.6170G>A (p.Arg2057Gln)

Gene: CEP250 (centrosomal protein 250; plus strand). Cytogenetic location: 20q11.22.
Variant type: single nucleotide variant.
Coding change: c.6170G>A on transcript NM_007186.6 (MANE Select); coding-DNA position 6170, G replaced by A.
Protein change: p.Arg2057Gln; replaces arginine 2057 with glutamine.
Molecular consequence: missense variant.
Genome position (GRCh38, 1-based): chr20:35,504,539, G>A. VCF-style: chr20-35504539-G-A. GRCh37 (hg19) VCF-style: chr20-34092367-G-A.
Other names: c.4274G>A, p.Arg1425Gln (NM_001318219.1); short protein forms R1425Q, R2057Q.
Identifiers: ClinVar variation 1023145 (VCV001023145.7), dbSNP rs749516825, ClinGen allele CA9834018.

ClinVar aggregate classification (germline): Uncertain significance (1 of 4 stars; one submission).

Allele frequency attached by ClinVar (database versions not stated): gnomAD 0.00001.
gnomAD v4.1: 13 of 1,613,996 alleles (0.00081%); highest among the groups gnomAD compares: Middle Eastern, 0.017%; no homozygotes.

Submission:

Labcorp Genetics (formerly Invitae), Labcorp
Classification: Uncertain significance. Last evaluated: 2024-12-16. Review status: criteria provided, single submitter. Criteria: Invitae Variant Classification Sherloc (09022015). Collection method: clinical testing. Allele origin: germline.
Comment: This sequence change replaces arginine, which is basic and polar, with glutamine, which is neutral and polar, at codon 2057 of the CEP250 protein (p.Arg2057Gln). This variant is present in population databases (rs749516825, gnomAD 0.003%). This variant has not been reported in the literature in individuals affected with CEP250-related conditions. ClinVar contains an entry for this variant (Variation ID: 1023145). An algorithm developed to predict the effect of missense changes on protein structure and function outputs the following: PolyPhen-2: "Benign". The glutamine amino acid residue is found in multiple mammalian species, which suggests that this missense change does not adversely affect protein function. In summary, the available evidence is currently insufficient to determine the role of this variant in disease. Therefore, it has been classified as a Variant of Uncertain Significance.